The following is an entry in ClinVar:

NM_004370.6(COL12A1):c.5965G>A (p.Val1989Met)

Gene: COL12A1 (collagen type XII alpha 1 chain; minus strand). Cytogenetic location: 6q13.
Variant type: single nucleotide variant.
Coding change: c.5965G>A on transcript NM_004370.6 (MANE Select); coding-DNA position 5965, G replaced by A.
Protein change: p.Val1989Met; replaces valine 1989 with methionine.
Molecular consequence: missense variant.
Genome position (GRCh38, 1-based): chr6:75,130,954, C>T on the plus strand (G>A on the coding strand, the complement: COL12A1 is on the minus strand). VCF-style: chr6-75130954-C-T. GRCh37 (hg19) VCF-style: chr6-75840670-C-T.
Other names: c.2473G>A, p.Val825Met (NM_080645.3); short protein forms V1989M, V825M.
Identifiers: ClinVar variation 2417974 (VCV002417974.7), dbSNP rs1270514012, ClinGen allele CA364732483.
Genomic context (GRCh38, chr6:75,130,954, plus strand): 5'-AGTACAGAGCCACAAGGTTCACGGAATAGAGTGTGTCCGGAATCAGCCGCTCCAGATGCA[C>T]CATGCGCGTGTTTCCTGGCACTACTATCTGCAGGAGAGGAAATGCCAAATTCTGCCTGAC-3'
Protein context (NP_004361.3, residues 1979-1999): SIVVPGNTRM[Val1989Met]HLERLIPDTL

ClinVar aggregate classification (germline): Uncertain significance (1 of 4 stars; one submission).

Conditions:
Ullrich congenital muscular dystrophy 2 (UCMD2). Identifiers: Orphanet 75840, MedGen C4225314, MONDO:0014654, OMIM 616470.
Bethlem myopathy 2 (BTHLM2). Identifiers: Orphanet 536516, Orphanet 610, MedGen C4225313, MONDO:0034022, OMIM 616471.

gnomAD v4.1: 2 of 1,614,130 alleles (0.00012%); highest among the groups gnomAD compares: Non-Finnish European, 0.00017%; no homozygotes.

Submission:

Labcorp Genetics (formerly Invitae), Labcorp
Classification: Uncertain significance for Bethlem myopathy 2; Ullrich congenital muscular dystrophy 2. Last evaluated: 2022-05-17. Review status: criteria provided, single submitter. Criteria: Invitae Variant Classification Sherloc (09022015). Collection method: clinical testing. Allele origin: germline.
Comment: This sequence change replaces valine, which is neutral and non-polar, with methionine, which is neutral and non-polar, at codon 1989 of the COL12A1 protein (p.Val1989Met). This variant is present in population databases (no rsID available, gnomAD 0.0009%). This variant has not been reported in the literature in individuals affected with COL12A1-related conditions. Algorithms developed to predict the effect of missense changes on protein structure and function are either unavailable or do not agree on the potential impact of this missense change (SIFT: "Deleterious"; PolyPhen-2: "Probably Damaging"; Align-GVGD: "Class C0"). In summary, the available evidence is currently insufficient to determine the role of this variant in disease. Therefore, it has been classified as a Variant of Uncertain Significance.